The following is an entry in ClinVar:

ClinVar aggregate classification (germline): Likely benign. Review status: criteria provided, multiple submitters, no conflicts (2 of 4 stars). 3 submissions from 3 submitters: Likely benign (2). 1 of the submissions does not count toward it. Last evaluated 2025-10-11.

Conditions:
EPG5-related disorder. Also called: EPG5-related condition. Identifiers: MedGen CN381528.
Vici syndrome (VICIS). Identifiers: Orphanet 1493, MedGen C1855772, MONDO:0009452, OMIM 242840.

Allele frequency attached by ClinVar (database versions not stated): ExAC 0.00004; ESP Exome Variant Server 0.00008; 1000 Genomes Project 30x 0.00031; 1000 Genomes Project 0.00040.

Submissions (3):

Labcorp Genetics (formerly Invitae), Labcorp
Classification: Likely benign for Vici syndrome. Last evaluated: 2025-10-11. Review status: criteria provided, single submitter. Criteria: Invitae Variant Classification Sherloc (09022015). Collection method: clinical testing. Allele origin: germline.

Blueprint Genetics
Classification: Likely benign. Last evaluated: 2024-09-10. Review status: criteria provided, single submitter. Criteria: ACMG Guidelines, 2015. Collection method: clinical testing. Allele origin: germline.

PreventionGenetics, part of Exact Sciences
Classification: Likely benign for EPG5-related condition. Last evaluated: 2019-05-01. Review status: no assertion criteria provided. Collection method: clinical testing. Allele origin: germline. Not counted in ClinVar's aggregate classification.
Comment: This variant is classified as likely benign based on ACMG/AMP sequence variant interpretation guidelines (Richards et al. 2015 PMID: 25741868, with internal and published modifications).

NM_020964.3(EPG5):c.3846C>T (p.Ile1282=)

Gene: EPG5 (ectopic P-granules 5 autophagy tethering factor; minus strand). Cytogenetic location: 18q21.1.
Variant type: single nucleotide variant.
Coding change: c.3846C>T on transcript NM_020964.3 (MANE Select); coding-DNA position 3846, C replaced by T.
Protein change: p.Ile1282=; no amino-acid change (isoleucine 1282 retained).
Molecular consequence: synonymous variant.
Genome position (GRCh38, 1-based): chr18:45,912,427, G>A on the plus strand (C>T on the coding strand, the complement: EPG5 is on the minus strand). VCF-style: chr18-45912427-G-A. GRCh37 (hg19) VCF-style: chr18-43492392-G-A.
Other names: c.3846C>T (NM_020964.2).
Identifiers: ClinVar variation 1592177 (VCV001592177.12), dbSNP rs200540278, ClinGen allele CA8949040.
Genomic context (GRCh38, chr18:45,912,427, plus strand): 5'-AGGTGTGACCAGAGCCTGGTGGGCCCAGCGATAAATCAGCAGCCTCTGGAGGGATGGCAC[G>A]ATGGGGAGCTTCAGCTGGGTCTGGGCTTTCTACAAAAAAGAAAGGGCTTTGAGTAGCCAC-3'
Protein context (NP_066015.2, residues 1272-1292): KKAQTQLKLP[Ile1282=]VPSLQRLLIY